The following is an entry in ClinVar:

NM_001122955.4(BSCL2):c.652G>C (p.Asp218His)

Genes: BSCL2 (BSCL2 lipid droplet biogenesis associated, seipin; minus strand), HNRNPUL2-BSCL2 (HNRNPUL2-BSCL2 readthrough (NMD candidate); minus strand). Cytogenetic location: 11q12.3.
Variant type: single nucleotide variant.
Coding change: c.652G>C on transcript NM_001122955.4 (MANE Select); coding-DNA position 652, G replaced by C.
Protein change: p.Asp218His; replaces aspartic acid 218 with histidine.
Molecular consequence: missense variant. On other transcripts: non-coding transcript variant (1).
Genome position (GRCh38, 1-based): chr11:62,692,776, C>G on the plus strand (G>C on the coding strand, the complement: BSCL2 is on the minus strand). VCF-style: chr11-62692776-C-G. GRCh37 (hg19) VCF-style: chr11-62460248-C-G.
Other names: c.460G>C, p.Asp154His (NM_001130702.2, NM_032667.6); c.652G>C, p.Asp218His (NM_001386027.1, NM_001386028.1); short protein forms D154H, D218H.
Identifiers: ClinVar variation 1997280 (VCV001997280.4), dbSNP rs1214983112, ClinGen allele CA380963330.
Genomic context (GRCh38, chr11:62,692,776, plus strand): 5'-CTGCAAAGCCAAATAGCAGGAGGCTAGAGAAGACCAGTGTGTCCAGCATCTGGAGCAGGT[C>G]TGAGCGGTAATGCAGCATCACCTGCCGGGGGTGGGAAGCAGAGGCTGGGGACAGGTGCAT-3'
Protein context (NP_001116427.1, residues 208-228): SRSVMLHYRS[Asp218His]LLQMLDTLVF

ClinVar aggregate classification (germline): Uncertain significance (1 of 4 stars; one submission).

Conditions:
Charcot-Marie-Tooth disease type 2. Also called: Charcot-Marie-Tooth type 2. Identifiers: Orphanet 64746, MedGen C0270914, MONDO:0018993.

Allele frequency attached by ClinVar (database versions not stated): gnomAD exomes below 0.00001; TOPMed below 0.00001.
gnomAD v4.1: 2 of 1,613,856 alleles (0.00012%); highest among the groups gnomAD compares: Non-Finnish European, 0.000085%; no homozygotes.

Submission:

Labcorp Genetics (formerly Invitae), Labcorp
Classification: Uncertain significance for Charcot-Marie-Tooth disease type 2. Last evaluated: 2022-05-21. Review status: criteria provided, single submitter. Criteria: Invitae Variant Classification Sherloc (09022015). Collection method: clinical testing. Allele origin: germline.
Comment: This variant has not been reported in the literature in individuals affected with BSCL2-related conditions. This sequence change replaces aspartic acid, which is acidic and polar, with histidine, which is basic and polar, at codon 154 of the BSCL2 protein (p.Asp154His). This variant is present in population databases (no rsID available, gnomAD 0.0009%). Algorithms developed to predict the effect of missense changes on protein structure and function (SIFT, PolyPhen-2, Align-GVGD) all suggest that this variant is likely to be tolerated. Algorithms developed to predict the effect of sequence changes on RNA splicing suggest that this variant may create or strengthen a splice site. In summary, the available evidence is currently insufficient to determine the role of this variant in disease. Therefore, it has been classified as a Variant of Uncertain Significance.